The following is an entry in ClinVar:

ClinVar aggregate classification (germline): Pathogenic (1 of 4 stars; one submission).

Conditions:
Hereditary cancer-predisposing syndrome. Also called: Neoplastic Syndromes, Hereditary; Tumor predisposition; Hereditary Cancer Syndrome; Hereditary neoplastic syndrome. Identifiers: Orphanet 140162, MedGen C0027672, MeSH D009386, MONDO:0015356.

Submission:

Ambry Genetics
Classification: Pathogenic for Hereditary cancer-predisposing syndrome. Last evaluated: 2019-12-12. Review status: criteria provided, single submitter. Criteria: Ambry Variant Classification Scheme 2023. Collection method: clinical testing. Allele origin: germline.
Comment: The c.787dupA pathogenic mutation, located in coding exon 6 of the DICER1 gene, results from a duplication of A at nucleotide position 787, causing a translational frameshift with a predicted alternate stop codon (p.R263Kfs*6). This alteration is expected to result in loss of function by premature protein truncation or nonsense-mediated mRNA decay. As such, this alteration is interpreted as a disease-causing mutation.

NM_177438.3(DICER1):c.787dup (p.Arg263fs)

Gene: DICER1 (dicer 1, ribonuclease III; minus strand). Cytogenetic location: 14q32.13.
Variant type: Duplication.
Coding change: c.787dup on transcript NM_177438.3 (MANE Select); coding-DNA position 787, one base duplicated (A; older notation c.787dupA).
Protein change: p.Arg263fs; shifts the reading frame from arginine 263.
Molecular consequence: frameshift variant. On other transcripts: 5 prime UTR variant (1), non-coding transcript variant (6).
Genome position (GRCh38, 1-based): chr14:95,126,696, T duplicated on the plus strand (A on the coding strand, the reverse complement: DICER1 is on the minus strand). VCF-style (leftmost placement, unchanged base first): chr14-95126695-C-CT. GRCh37 (hg19) VCF-style: chr14-95593032-C-CT.
Other names: c.787dupA (NM_177438.2); c.787dup, p.Arg263fs (NM_001195573.1, NM_001271282.3, NM_001291628.2 and 14 more transcripts); c.787dup, p.Arg263Lysfs (NM_001395681.1); c.505dup, p.Arg169fs (NM_001395686.1); c.382dup, p.Arg128fs (NM_001395687.1, NM_001395688.1, NM_001395689.1 and 3 more transcripts); c.220dup, p.Arg74fs (NM_001395691.1); c.-782dup (NM_001395697.1); short protein forms R128fs, R263fs, R74fs, R169fs.
Identifiers: ClinVar variation 1760993 (VCV001760993.2), dbSNP rs2543230737, ClinGen allele CA2580089185.